The following is an entry in ClinVar:

NM_000082.4(ERCC8):c.810G>T (p.Arg270Ser)

Gene: ERCC8 (ERCC excision repair 8, CSA ubiquitin ligase complex subunit; minus strand). Cytogenetic location: 5q12.1.
Variant type: single nucleotide variant.
Coding change: c.810G>T on transcript NM_000082.4 (MANE Select); coding-DNA position 810, G replaced by T.
Protein change: p.Arg270Ser; replaces arginine 270 with serine.
Molecular consequence: missense variant.
Genome position (GRCh38, 1-based): chr5:60,898,309, C>A on the plus strand (G>T on the coding strand, the complement: ERCC8 is on the minus strand). VCF-style: chr5-60898309-C-A. GRCh37 (hg19) VCF-style: chr5-60194136-C-A.
Other names: c.636G>T, p.Arg212Ser (NM_001007233.3); c.351G>T, p.Arg117Ser (NM_001290285.2); short protein forms R117S, R212S, R270S.
Identifiers: ClinVar variation 2154320 (VCV002154320.6), dbSNP rs532604744, ClinGen allele CA118848310.

ClinVar aggregate classification (germline): Uncertain significance. Review status: criteria provided, multiple submitters, no conflicts (2 of 4 stars). 3 submissions from 3 submitters: Uncertain significance (3). Last evaluated 2025-05-23.

Conditions:
Inborn genetic diseases. Identifiers: MedGen C0950123, MeSH D030342.

Allele frequency attached by ClinVar (database versions not stated): gnomAD exomes below 0.00001; gnomAD 0.00002; 1000 Genomes Project 30x 0.00016; 1000 Genomes Project 0.00020.
gnomAD v4.1: 5 of 1,613,518 alleles (0.00031%); highest among the groups gnomAD compares: Admixed American, 0.0067%; no homozygotes.

Submissions (3):

Ambry Genetics
Classification: Uncertain significance for Inborn genetic diseases. Last evaluated: 2025-05-23. Review status: criteria provided, single submitter. Criteria: Ambry Variant Classification Scheme 2023. Collection method: clinical testing. Allele origin: germline.

Blueprint Genetics
Classification: Uncertain significance. Last evaluated: 2024-10-11. Review status: criteria provided, single submitter. Criteria: ACMG Guidelines, 2015. Collection method: clinical testing. Allele origin: germline.

Labcorp Genetics (formerly Invitae), Labcorp
Classification: Uncertain significance. Last evaluated: 2024-04-30. Review status: criteria provided, single submitter. Criteria: Invitae Variant Classification Sherloc (09022015). Collection method: clinical testing. Allele origin: germline.
Comment: This sequence change replaces arginine, which is basic and polar, with serine, which is neutral and polar, at codon 270 of the ERCC8 protein (p.Arg270Ser). This variant is not present in population databases (gnomAD no frequency). This variant has not been reported in the literature in individuals affected with ERCC8-related conditions. ClinVar contains an entry for this variant (Variation ID: 2154320). Advanced modeling of protein sequence and biophysical properties (such as structural, functional, and spatial information, amino acid conservation, physicochemical variation, residue mobility, and thermodynamic stability) performed at Invitae indicates that this missense variant is not expected to disrupt ERCC8 protein function with a negative predictive value of 80%. In summary, the available evidence is currently insufficient to determine the role of this variant in disease. Therefore, it has been classified as a Variant of Uncertain Significance.